The following is an entry in ClinVar:

ClinVar aggregate classification (germline): Uncertain significance (1 of 4 stars; one submission).

Allele frequency attached by ClinVar (database versions not stated): gnomAD exomes below 0.00001.
gnomAD v4.1: 2 of 1,613,990 alleles (0.00012%); highest among the groups gnomAD compares: Non-Finnish European, 0.00017%; no homozygotes.

Submission:

Labcorp Genetics (formerly Invitae), Labcorp
Classification: Uncertain significance. Last evaluated: 2025-03-25. Review status: criteria provided, single submitter. Criteria: Invitae Variant Classification Sherloc (09022015). Collection method: clinical testing. Allele origin: germline.
Comment: This sequence change replaces lysine, which is basic and polar, with arginine, which is basic and polar, at codon 519 of the PPP2R1A protein (p.Lys519Arg). This variant is not present in population databases (gnomAD no frequency). This variant has not been reported in the literature in individuals affected with PPP2R1A-related conditions. ClinVar contains an entry for this variant (Variation ID: 2840562). Invitae Evidence Modeling of protein sequence and biophysical properties (such as structural, functional, and spatial information, amino acid conservation, physicochemical variation, residue mobility, and thermodynamic stability) indicates that this missense variant is not expected to disrupt PPP2R1A protein function with a negative predictive value of 80%. In summary, the available evidence is currently insufficient to determine the role of this variant in disease. Therefore, it has been classified as a Variant of Uncertain Significance.

NM_014225.6(PPP2R1A):c.1556A>G (p.Lys519Arg)

Genes: PPP2R1A (protein phosphatase 2 scaffold subunit Aalpha; plus strand), LOC126862924 (BRD4-independent group 4 enhancer GRCh37_chr19:52724813-52726012; plus strand). Cytogenetic location: 19q13.41.
Variant type: single nucleotide variant.
Coding change: c.1556A>G on transcript NM_014225.6 (MANE Select); coding-DNA position 1556, A replaced by G.
Protein change: p.Lys519Arg; replaces lysine 519 with arginine.
Molecular consequence: missense variant. On other transcripts: non-coding transcript variant (1).
Genome position (GRCh38, 1-based): chr19:52,222,136, A>G. VCF-style: chr19-52222136-A-G. GRCh37 (hg19) VCF-style: chr19-52725389-A-G.
Other names: c.1019A>G, p.Lys340Arg (NM_001363656.2); short protein forms K340R, K519R.
Identifiers: ClinVar variation 2840562 (VCV002840562.3), dbSNP rs2514102692, ClinGen allele CA407154274.
Genomic context (GRCh38, chr19:52,222,136, plus strand): 5'-CCCTGCCACTCACTGGCCCCCAGGTGCTGTCTGAGGTCTGTGGGCAGGACATCACCACCA[A>G]GCACATGCTACCCACGGTTCTGCGCATGGCTGGGGACCCGGTTGCCAATGTCCGCTTCAA-3'
Protein context (NP_055040.2, residues 509-529): SEVCGQDITT[Lys519Arg]HMLPTVLRMA